The following is an entry in ClinVar:

NM_000160.5(GCGR):c.384T>G (p.Ile128Met)

Gene: GCGR (glucagon receptor; plus strand). Cytogenetic location: 17q25.3.
Variant type: single nucleotide variant.
Coding change: c.384T>G on transcript NM_000160.5 (MANE Select); coding-DNA position 384, T replaced by G.
Protein change: p.Ile128Met; replaces isoleucine 128 with methionine.
Molecular consequence: missense variant.
Genome position (GRCh38, 1-based): chr17:81,811,122, T>G. VCF-style: chr17-81811122-T-G. GRCh37 (hg19) VCF-style: chr17-79768998-T-G.
Other names: short protein forms I128M.
Identifiers: ClinVar variation 1346915 (VCV001346915.7), dbSNP rs181081681, ClinGen allele CA8842052.
Genomic context (GRCh38, chr17:81,811,122, plus strand): 5'-TGGACCCCGGGGGCAGCCTTGGCGTGATGCCTCCCAGTGCCAGATGGATGGCGAGGAGAT[T>G]GAGGTCCAGGTCAGTGGGCGGCAGGCAGGCGCGGTGGGGCTGGATGGGAACGGGCATGGG-3'
Protein context (NP_000151.1, residues 118-138): ASQCQMDGEE[Ile128Met]EVQKEVAKMY

ClinVar aggregate classification (germline): Uncertain significance (1 of 4 stars; one submission).

Allele frequency attached by ClinVar (database versions not stated): gnomAD exomes 0.00004; ExAC 0.00006; 1000 Genomes Project 30x 0.00016; 1000 Genomes Project 0.00020; TOPMed 0.00003.
gnomAD v4.1: 82 of 1,536,194 alleles (0.0053%); highest among the groups gnomAD compares: East Asian, 0.0049%; no homozygotes.

Submission:

Labcorp Genetics (formerly Invitae), Labcorp
Classification: Uncertain significance. Last evaluated: 2024-10-24. Review status: criteria provided, single submitter. Criteria: Invitae Variant Classification Sherloc (09022015). Collection method: clinical testing. Allele origin: germline.
Comment: This sequence change replaces isoleucine, which is neutral and non-polar, with methionine, which is neutral and non-polar, at codon 128 of the GCGR protein (p.Ile128Met). This variant is present in population databases (rs181081681, gnomAD 0.07%). This variant has not been reported in the literature in individuals affected with GCGR-related conditions. ClinVar contains an entry for this variant (Variation ID: 1346915). An algorithm developed to predict the effect of missense changes on protein structure and function outputs the following: PolyPhen-2: "Benign". The methionine amino acid residue is found in multiple mammalian species, which suggests that this missense change does not adversely affect protein function. In summary, the available evidence is currently insufficient to determine the role of this variant in disease. Therefore, it has been classified as a Variant of Uncertain Significance.